The following is an entry in ClinVar:

NM_000127.3(EXT1):c.1884-1G>A

Gene: EXT1 (exostosin glycosyltransferase 1; minus strand). Cytogenetic location: 8q24.11.
Variant type: single nucleotide variant.
Coding change: c.1884-1G>A on transcript NM_000127.3 (MANE Select); the canonical splice acceptor site of the intron before coding-DNA position 1884, G replaced by A.
Molecular consequence: splice acceptor variant.
Genome position (GRCh38, 1-based): chr8:117,804,894, C>T on the plus strand (G>A on the coding strand, the complement: EXT1 is on the minus strand). VCF-style: chr8-117804894-C-T. GRCh37 (hg19) VCF-style: chr8-118817133-C-T.
Identifiers: ClinVar variation 569935 (VCV000569935.8), dbSNP rs1131691623, ClinGen allele CA371877795.

ClinVar aggregate classification (germline): Pathogenic (1 of 4 stars; one submission).

Conditions:
Multiple congenital exostosis (EXT). Also called: Multiple exostoses; Hereditary multiple exostoses; Hereditary multiple exostosis; Hereditary multiple osteochondromas; MULTIPLE CARTILAGINOUS EXOSTOSES; Multiple osteochondromas. Identifiers: Orphanet 321, MedGen C0015306, MONDO:0005508, HP:0002762.

Submissions (2):

Labcorp Genetics (formerly Invitae), Labcorp
Classification: Pathogenic for Multiple congenital exostosis. Last evaluated: 2018-01-02. Review status: criteria provided, single submitter. Criteria: Invitae Variant Classification Sherloc (09022015). Collection method: clinical testing. Allele origin: germline.
Comment: This variant has not been reported in the literature in individuals with EXT1-related disease. This variant is not present in population databases (ExAC no frequency). This sequence change affects an acceptor splice site in intron 9 of the EXT1 gene. It is expected to disrupt RNA splicing and likely results in an absent or disrupted protein product. Algorithms developed to predict the effect of sequence changes on RNA splicing suggest that this variant may disrupt the consensus splice site, but this prediction has not been confirmed by published transcriptional studies. For these reasons, this variant has been classified as Pathogenic. Donor and acceptor splice site variants typically lead to a loss of protein function (PMID: 16199547), and loss-of-function variants in EXT1 are known to be pathogenic (PMID: 10679937, 11391482, 19810120).

Dr. Peter K. Rogan Lab, Western University
No classification provided (evidence only). Condition: Nonpapillary renal cell carcinoma. Review status: no classification provided. Collection method: in vitro. Allele origin: not applicable. Functional consequence: retained intron. Not counted in ClinVar's aggregate classification.

Literature cited by the submitters: PubMed 16199547 (cited by Labcorp Genetics (formerly Invitae), Labcorp); PubMed 10679937 (cited by Labcorp Genetics (formerly Invitae), Labcorp); PubMed 11391482 (cited by Labcorp Genetics (formerly Invitae), Labcorp); PubMed 19810120 (cited by Labcorp Genetics (formerly Invitae), Labcorp).